The following is an entry in ClinVar:

ClinVar aggregate classification (germline): Uncertain significance (1 of 4 stars; one submission).

gnomAD v4.1: 92 of 1,614,024 alleles (0.0057%); highest among the groups gnomAD compares: African/African-American, 0.083%; no homozygotes.

Submission:

Mayo Clinic Laboratories, Mayo Clinic
Classification: Uncertain significance. Last evaluated: 2025-01-03. Review status: criteria provided, single submitter. Criteria: ACMG Guidelines, 2015. Collection method: clinical testing. Allele origin: germline. Observed: 1 variant allele.
Comment: PM1_supporting

NM_005845.5(ABCC4):c.2630T>C (p.Phe877Ser)

Gene: ABCC4 (ATP binding cassette subfamily C member 4 (PEL blood group); minus strand). Cytogenetic location: 13q32.1.
Variant type: single nucleotide variant.
Coding change: c.2630T>C on transcript NM_005845.5 (MANE Select); coding-DNA position 2630, T replaced by C.
Protein change: p.Phe877Ser; replaces phenylalanine 877 with serine.
Molecular consequence: missense variant.
Genome position (GRCh38, 1-based): chr13:95,083,196, A>G on the plus strand (T>C on the coding strand, the complement: ABCC4 is on the minus strand). VCF-style: chr13-95083196-A-G. GRCh37 (hg19) VCF-style: chr13-95735450-A-G.
Other names: p.Phe877Ser; c.2489T>C, p.Phe830Ser (NM_001301829.2); short protein forms F830S, F877S.
Identifiers: ClinVar variation 4541787 (VCV004541787.1).
Genomic context (GRCh38, chr13:95,083,196, plus strand): 5'-TCACTTGTAGATTCCAGGCGCTTCACATCTCTTGACGTTTCCAAAAAATATCGCCGAAGA[A>G]AAATGAAAATGATTCCAAGGGGAACCAAGGGTATTGCGATCCAAGGAATCACGGCCACAG-3'
Protein context (NP_005836.2, residues 867-887): PLVPLGIIFI[Phe877Ser]LRRYFLETSR